The following is an entry in ClinVar:

ClinVar aggregate classification (germline): Uncertain significance (1 of 4 stars; one submission).

Conditions:
Inborn genetic diseases. Identifiers: MedGen C0950123, MeSH D030342.

gnomAD v4.1: 3 of 1,613,790 alleles (0.00019%); highest among the groups gnomAD compares: Non-Finnish European, 0.00025%; no homozygotes.

Submission:

Ambry Genetics
Classification: Uncertain significance for Inborn genetic diseases. Last evaluated: 2025-06-13. Review status: criteria provided, single submitter. Criteria: Ambry Variant Classification Scheme 2023. Collection method: clinical testing. Allele origin: germline.
Comment: The p.S700T variant (also known as c.2099G>C), located in coding exon 1 of the SAMD9 gene, results from a G to C substitution at nucleotide position 2099. The serine at codon 700 is replaced by threonine, an amino acid with similar properties. This amino acid position is conserved. In addition, this alteration is predicted to be tolerated by in silico analysis. Based on the available evidence, the clinical significance of this variant remains unclear.

NM_017654.4(SAMD9):c.2099G>C (p.Ser700Thr)

Gene: SAMD9 (sterile alpha motif domain containing 9; minus strand). Cytogenetic location: 7q21.2.
Variant type: single nucleotide variant.
Coding change: c.2099G>C on transcript NM_017654.4 (MANE Select); coding-DNA position 2099, G replaced by C.
Protein change: p.Ser700Thr; replaces serine 700 with threonine.
Molecular consequence: missense variant.
Genome position (GRCh38, 1-based): chr7:93,103,999, C>G on the plus strand (G>C on the coding strand, the complement: SAMD9 is on the minus strand). VCF-style: chr7-93103999-C-G. GRCh37 (hg19) VCF-style: chr7-92733312-C-G.
Other names: c.2099G>C, p.Ser700Thr (NM_001193307.2); short protein forms S700T.
Identifiers: ClinVar variation 3949731 (VCV003949731.1).
Genomic context (GRCh38, chr7:93,103,999, plus strand): 5'-TTTTGAATCATTGCTTCAAGTCTTTCATATTTATCCCTTTTGACAAAAGGTGAAGAATAA[C>G]TTTCAGAAGAGAAGTAGAAGTTCCACCATGACACTTTGCCACCTCGATAGAAGTCTTCCT-3'
Protein context (NP_060124.2, residues 690-710): SWWNFYFSSE[Ser700Thr]YSSPFVKRDK